The following is an entry in ClinVar:

NM_000492.4(CFTR):c.91C>T (p.Arg31Cys)

Gene: CFTR (CF transmembrane conductance regulator; plus strand). Cytogenetic location: 7q31.2.
Variant type: single nucleotide variant.
Coding change: c.91C>T on transcript NM_000492.4 (MANE Select); coding-DNA position 91, C replaced by T.
Protein change: p.Arg31Cys; replaces arginine 31 with cysteine.
Molecular consequence: missense variant.
Genome position (GRCh38, 1-based): chr7:117,504,290, C>T. VCF-style: chr7-117504290-C-T. GRCh37 (hg19) VCF-style: chr7-117144344-C-T.
Other names: short protein forms R31C.
Identifiers: ClinVar variation 35893 (VCV000035893.58), dbSNP rs1800073, ClinGen allele CA325716.

ClinVar aggregate classification (germline): Conflicting classifications of pathogenicity. Review status: criteria provided, conflicting classifications (1 of 4 stars). 21 submissions from 21 submitters: Uncertain significance (9); Benign (3); Likely benign (7). 2 of the submissions do not count toward it. Last evaluated 2026-05-01.

Conditions:
CFTR-related disorder (CFTR-RD). Also called: CFTR-related disorders; CFTR-related condition. Identifiers: MedGen C5924204, MONDO:7770004.
Congenital bilateral aplasia of vas deferens from CFTR mutation (CBAVD). Identifiers: Orphanet 48, MedGen C0403814, MONDO:0010178, OMIM 277180. Disease mechanism: loss of function.
Cystic fibrosis (CF). Also called: MUCOVISCIDOSIS. Identifiers: Orphanet 586, MedGen C0010674, MONDO:0009061, OMIM 219700. Disease mechanism: loss of function.
Bronchiectasis with or without elevated sweat chloride 1 (BESC1). Also called: Cystic Fibrosis-Like Syndrome. Identifiers: Orphanet 60033, MedGen C2749757, MONDO:0008887, OMIM 211400.
Hereditary pancreatitis (PCTT). Also called: Hereditary chronic pancreatitis; PRSS1-Related Hereditary Pancreatitis. Identifiers: Orphanet 676, MedGen C0238339, MONDO:0008185, OMIM 167800.

Allele frequency attached by ClinVar (database versions not stated): ESP Exome Variant Server 0.00077; gnomAD 0.00134; 1000 Genomes Project 0.00140; 1000 Genomes Project 30x 0.00141; TOPMed 0.00147; ExAC 0.00168; gnomAD exomes 0.00168.
gnomAD v4.1: 2,431 of 1,611,884 alleles (0.15%); highest among the groups gnomAD compares: East Asian, 0.68%; 9 homozygotes.

Submissions 1 to 14 of 21:

CeGaT Center for Human Genetics Tuebingen
Classification: Likely benign. Last evaluated: 2026-05-01. Review status: criteria provided, single submitter. Criteria: CeGaT Center For Human Genetics Tuebingen Variant Classification Criteria Version 2. Collection method: clinical testing. Allele origin: germline. Affected: yes. Observed: 5 variant alleles.
Comment: CFTR: BS1

Labcorp Genetics (formerly Invitae), Labcorp
Classification: Benign for Cystic fibrosis. Last evaluated: 2026-01-29. Review status: criteria provided, single submitter. Criteria: Invitae Variant Classification Sherloc (09022015). Collection method: clinical testing. Allele origin: germline.

ARUP Laboratories, Molecular Genetics and Genomics, ARUP Laboratories
Classification: Uncertain significance. Last evaluated: 2025-07-14. Review status: criteria provided, single submitter. Criteria: ARUP Molecular Germline Variant Investigation Process 2024. Collection method: clinical testing. Allele origin: germline.
Comment: The CFTR c.91C>T; p.Arg31Cys variant (rs1800073) is reported in individuals with idiopathic pancreatitis (Bernardino 2000, Gomez-Lira 2001, Hirai 2023), oligospermia (Gallati 2009), bronchiectasis (Guan 2018, Lawless 2023), mild pulmonary disorders (Ghanem 1994), and congenital absence of the vas deferens (Fang 2022). Although initial functional studies suggested a defect in CFTR processing and chloride transport activity (Jurkuvenaite 2006), subsequent studies indicated no defects (Sosnay 2013). In addition, the variant has been reported as a homozygote in an asymptomatic individual (Ghanem 1994) and was shown not to be enriched in individuals diagnosed with pancreatitis (LaRusch 2014). This variant is reported in ClinVar (Variation ID: 35893), and found in the general population with an overall allele frequency of 0.2% (463/282,310 alleles, including 1 homozygote) in the Genome Aggregation Database (v2.1.1). Computational analyses are uncertain whether this variant is neutral or deleterious (REVEL: 0.669). However, another variant at this codon (p.Arg31Leu) has been reported in an individual with elevated sweat chloride levels (Zielenski 1995) and exhibited 56% of wildtype chloride channel activity in functional assays (Raraigh 2018). Due to the conflicting information regarding this variant, its clinical significance is uncertain at this time. References: Bernardino AL et al. Molecular analysis in Brazilian cystic fibrosis patients reveals five novel mutations. Genet Test. 2000;4(1):69-74. PMID: 10794365 Fang J et al. Congenital absence of the vas deferens with hypospadias or without hypospadias: Phenotypic findings and genetic considerations. Front Genet. 2022 Nov 9;13:1035468. PMID: 36437957. Gallati S et al. Cystic fibrosis transmembrane conductance regulator mutations in azoospermic and oligospermic men and their partners. Reprod Biomed Online. 2009 Nov;19(5):685-94. PMID: 20021716 Ghanem N et al. Identification of eight mutations and three sequence variations in the cystic fibrosis transmembrane conductance regulator (CFTR) gene. Genomics. 1994 May 15;21(2):434-6. PMID: 7522211 Gomez-Lira M et al. CFTR and cationic trypsinogen mutations in idiopathic pancreatitis and neonatal hypertrypsinemia. Pancreatology. 2001;1(5):538-42. PMID: 12120234 Guan WJ et al. Next-generation sequencing for identifying genetic mutations in adults with bronchiectasis. J Thorac Dis. 2018 May;10(5):2618-2630. PMID: 29997923 Hirai S et al. The Coexistence of TRPV6 Variants With Other Pancreatitis-Associated Genes Affects Pediatric-Onset Pancreatitis. J Pediatr Gastroenterol Nutr. 2023 Apr 1;76(4):483-488. PMID: 36599151. Jurkuvenaite A et al. Mutations in the amino terminus of the cystic fibrosis transmembrane conductance regulator enhance endocytosis. J Biol Chem. 2006 Feb 10;281(6):3329-34. PMID: 16339147 Lawless D et al. Prevalence of CFTR variants in primary immunodeficiency patients with bronchiectasis is an important modifying cofactor. J Allergy Clin Immunol. 2023 Jul;152(1):257-265. PMID: 36828084. LaRusch J et al. Mechanisms of CFTR functional variants that impair regulated bicarbonate permeation and increase risk for pancreatitis but not for cystic fibrosis. PLoS Genet. 2014 Jul 17;10(7):e1004376. PMID: 25033378 Raraigh KS et al. Functional Assays Are Essential for Interpretation of Missense Variants Associated with Variable Expressivity. Am J Hum Genet. 2018 Jun 7;102(6):1062-1077. PMID: 29805046 Sosnay PR et al. Defining the disease liability of variants in the cystic fibrosis transmembrane conductance regulator gene. Nat Genet. 2013 Oct;45(10):1160-7. PMID: 23974870 Zielenski J et al. Identification of six mutations (R31L, 441delA, 681delC, 1461ins4, W1089R, E1104X) in the cystic fibrosis transmembrane conductance regulator (CFTR) gene. Hum Mutat. 1995;5(1):43-7. PMID: 7537150

Mayo Clinic Laboratories, Mayo Clinic
Classification: Likely benign. Last evaluated: 2025-02-26. Review status: criteria provided, single submitter. Criteria: ACMG Guidelines, 2015. Collection method: clinical testing. Allele origin: germline. Observed: 18 variant alleles.
Comment: BP6, PP3

Quest Diagnostics Nichols Institute San Juan Capistrano
Classification: Uncertain significance. Last evaluated: 2024-12-20. Review status: criteria provided, single submitter. Criteria: Quest Diagnostics criteria. Collection method: clinical testing. Allele origin: unknown.
Comment: The CFTR c.91C>T (p.Arg31Cys) variant has been reported in the published literature in affected individuals with mild cystic fibrosis (CF) (PMID: 9272738 (1997)), pancreatitis (PMIDs: 12120234 (2001), 25033378 (2014), 25383785 (2015), 25492507 (2015), 25869325 (2015), 28544683 (2017)), and bronchiectasis (PMIDs: 7522211 (1994), 28544683 (2017), 29997923 (2018)). The variant has also been observed in reportedly healthy individuals (PMIDs: 23514810 (2013), 25033378 (2014), 29997923 (2018)), including an individual in a homozygous state (PMID: 7522211 (1994)). The variant does not prevent chloride conduction by the CFTR protein in functional studies (PMID: 25824995 (2015)), but it has been reported as causing reduced CFTR protein activity by enhancing endocytosis of the CFTR protein (PMID: 16339147 (2006)). The frequency of this variant in the general population (Genome Aggregation Database) is uninformative in the assessment of its pathogenicity. Analysis of this variant using bioinformatics tools for the prediction of the effect of amino acid changes on protein structure and function yielded conflicting predictions that this variant is benign or damaging. Based on the available information, we are unable to determine the clinical significance of this variant.

Blueprint Genetics
Classification: Likely benign. Last evaluated: 2024-11-15. Review status: criteria provided, single submitter. Criteria: ACMG Guidelines, 2015. Collection method: clinical testing. Allele origin: germline.

Genomic Medicine Center of Excellence, King Faisal Specialist Hospital and Research Centre
Classification: Uncertain significance for Cystic fibrosis. Last evaluated: 2024-03-29. Review status: criteria provided, single submitter. Criteria: ACMG Guidelines, 2015. Collection method: clinical testing. Allele origin: germline.

Institute of Human Genetics, University of Leipzig Medical Center
Classification: Uncertain significance for Cystic fibrosis. Last evaluated: 2023-07-26. Review status: criteria provided, single submitter. Criteria: ACMG Guidelines, 2015. Collection method: curation. Allele origin: unknown. Affected: yes. Observed: 1 variant allele.
Comment: This variant was classified based on the report of 1 patient with a clinically confirmed diagnosis of cystic fibrosis in the context of re-classifying variants in the German Cystic Fibrosis Registry (Muko e.V.). Patients have not been seen personally, but only reports were evaluated. Criteria applied:PP3, PM5_STR, BP6, BS3_SUP, BS2

Genome-Nilou Lab
Classification: Uncertain significance for Cystic fibrosis. Last evaluated: 2021-07-14. Review status: criteria provided, single submitter. Criteria: ACMG Guidelines, 2015. Collection method: clinical testing. Allele origin: germline. Affected: no.

Sema4
Classification: Likely benign for Hereditary pancreatitis. Last evaluated: 2021-04-01. Review status: criteria provided, single submitter. Criteria: Sema4 Curation Guidelines. Collection method: curation. Allele origin: germline.

Mendelics
Classification: Likely benign for Cystic fibrosis. Last evaluated: 2019-05-28. Review status: criteria provided, single submitter. Criteria: Mendelics Assertion Criteria 2017. Collection method: clinical testing. Allele origin: unknown.

Johns Hopkins Genomics, Johns Hopkins University
Classification: Benign for Cystic fibrosis. Last evaluated: 2019-02-09. Review status: criteria provided, single submitter. Criteria: ACMG Guidelines, 2015. Collection method: clinical testing. Allele origin: germline.

Ambry Genetics
Classification: Likely benign for Cystic fibrosis. Last evaluated: 2018-09-28. Review status: criteria provided, single submitter. Criteria: Ambry Variant Classification Scheme 2023. Collection method: clinical testing. Allele origin: germline.

Eurofins Ntd Llc (ga)
Classification: Uncertain significance. Last evaluated: 2018-06-20. Review status: criteria provided, single submitter. Criteria: EGL ClinVar v180209 classification definitions. Collection method: clinical testing. Allele origin: germline. Observed: 9 variant alleles, 9 heterozygotes.